The following is an entry in ClinVar:

NM_014314.4(RIGI):c.540C>T (p.Asn180=)

Gene: RIGI (RNA sensor RIG-I; minus strand). Cytogenetic location: 9p21.1.
Variant type: single nucleotide variant.
Coding change: c.540C>T on transcript NM_014314.4 (MANE Select); coding-DNA position 540, C replaced by T.
Protein change: p.Asn180=; no amino-acid change (asparagine 180 retained).
Molecular consequence: synonymous variant. On other transcripts: intron variant (1).
Genome position (GRCh38, 1-based): chr9:32,492,422, G>A on the plus strand (C>T on the coding strand, the complement: RIGI is on the minus strand). VCF-style: chr9-32492422-G-A. GRCh37 (hg19) VCF-style: chr9-32492420-G-A.
Other names: c.540C>T, p.Asn180= (NM_001385907.1, NM_001385909.1); c.99C>T, p.Asn33= (NM_001385910.1, NM_001385914.1); c.525C>T, p.Asn175= (NM_001385913.1); c.-38-1002C>T (NM_001385912.1).
Identifiers: ClinVar variation 3722161 (VCV003722161.2).
Genomic context (GRCh38, chr9:32,492,422, plus strand): 5'-AGAGCTGTGAGGAGGGTACAGTGTCTTACCTTTCTCTACAATCCACAGTTCACTGAACTT[G>A]TTCCTTTCTTTCTCCAAAGCAAGTTTCAAAGTTTTGGGCCAGTTTTCCTTGTCTGATCTG-3'
Protein context (NP_055129.2, residues 170-190): TLKLALEKER[Asn180=]KFSELWIVEK

ClinVar aggregate classification (germline): Uncertain significance (1 of 4 stars; one submission).

Submission:

Labcorp Genetics (formerly Invitae), Labcorp
Classification: Uncertain significance. Last evaluated: 2024-10-03. Review status: criteria provided, single submitter. Criteria: Invitae Variant Classification Sherloc (09022015). Collection method: clinical testing. Allele origin: germline.
Comment: This sequence change affects codon 180 of the DDX58 mRNA. It is a 'silent' change, meaning that it does not change the encoded amino acid sequence of the DDX58 protein. This variant is not present in population databases (gnomAD no frequency). This variant has not been reported in the literature in individuals affected with DDX58-related conditions. Algorithms developed to predict the effect of sequence changes on RNA splicing suggest that this variant may disrupt the consensus splice site. In summary, the available evidence is currently insufficient to determine the role of this variant in disease. Therefore, it has been classified as a Variant of Uncertain Significance.